The following is an entry in ClinVar:

NM_015631.6(TCTN3):c.936G>A (p.Leu312=)

Gene: TCTN3 (tectonic family member 3; minus strand). Cytogenetic location: 10q24.1.
Variant type: single nucleotide variant.
Coding change: c.936G>A on transcript NM_015631.6 (MANE Select); coding-DNA position 936, G replaced by A.
Protein change: p.Leu312=; no amino-acid change (leucine 312 retained).
Molecular consequence: synonymous variant. On other transcripts: intron variant (2).
Genome position (GRCh38, 1-based): chr10:95,685,589, C>T on the plus strand (G>A on the coding strand, the complement: TCTN3 is on the minus strand). VCF-style: chr10-95685589-C-T. GRCh37 (hg19) VCF-style: chr10-97445346-C-T.
Other names: c.990G>A, p.Leu330= (NM_001013840.1); c.651+906G>A (NM_001143973.2); c.888+906G>A (NM_001410982.1).
Identifiers: ClinVar variation 2942335 (VCV002942335.3), dbSNP rs2492753329, ClinGen allele CA471020634.
Genomic context (GRCh38, chr10:95,685,589, plus strand): 5'-TCCAGAATCTGAGGTCAGTATCCCTACCTGAGAAACTACATTCTGACAAGTGTTTCCAGC[C>T]AACAGAGGAGCATTAGCCTGTGAGGTAAGTATTACAGGAACCTGGAACTAGCAACGAAAA-3'
Protein context (NP_056446.4, residues 302-322): ILTSQANAPL[Leu312=]AGNTCQNVVS

ClinVar aggregate classification (germline): Uncertain significance (1 of 4 stars; one submission).

Conditions:
Joubert syndrome 18 (JBTS18). Identifiers: Orphanet 2754, MedGen C3553758, MONDO:0013896, OMIM 614815.
Orofacial-digital syndrome IV (OFD4). Also called: BARAITSER-BURN SYNDROME; OFD SYNDROME WITH TIBIAL DEFECTS; OFD SYNDROME, BARAITSER-BURN TYPE; OFDS IV; ORAL-FACIAL-DIGITAL SYNDROME, TYPE IV; Orofaciodigital syndrome IV. Identifiers: Orphanet 2753, MedGen C0406727, MONDO:0009794, OMIM 258860.

Submission:

Labcorp Genetics (formerly Invitae), Labcorp
Classification: Uncertain significance for Joubert syndrome 18; Orofacial-digital syndrome IV. Last evaluated: 2022-12-20. Review status: criteria provided, single submitter. Criteria: Invitae Variant Classification Sherloc (09022015). Collection method: clinical testing. Allele origin: germline.
Comment: In summary, the available evidence is currently insufficient to determine the role of this variant in disease. Therefore, it has been classified as a Variant of Uncertain Significance. Algorithms developed to predict the effect of sequence changes on RNA splicing suggest that this variant may disrupt the consensus splice site. This variant has not been reported in the literature in individuals affected with TCTN3-related conditions. This variant is not present in population databases (gnomAD no frequency). This sequence change affects codon 312 of the TCTN3 mRNA. It is a 'silent' change, meaning that it does not change the encoded amino acid sequence of the TCTN3 protein.